The following is an entry in ClinVar:

ClinVar aggregate classification (germline): Uncertain significance (1 of 4 stars; one submission).

Submission:

GeneDx
Classification: Uncertain significance. Last evaluated: 2025-06-11. Review status: criteria provided, single submitter. Criteria: GeneDx Variant Classification Process June 2021. Collection method: clinical testing. Allele origin: germline. Affected: yes.
Comment: Not observed at significant frequency in large population cohorts (gnomAD); In silico analysis supports that this missense variant has a deleterious effect on protein structure/function; Has not been previously published as pathogenic or benign to our knowledge

NM_014423.4(AFF4):c.2918C>G (p.Thr973Arg)

Gene: AFF4 (ALF transcription elongation factor 4; minus strand). Cytogenetic location: 5q31.1.
Variant type: single nucleotide variant.
Coding change: c.2918C>G on transcript NM_014423.4 (MANE Select); coding-DNA position 2918, C replaced by G.
Protein change: p.Thr973Arg; replaces threonine 973 with arginine.
Molecular consequence: missense variant.
Genome position (GRCh38, 1-based): chr5:132,887,861, G>C on the plus strand (C>G on the coding strand, the complement: AFF4 is on the minus strand). VCF-style: chr5-132887861-G-C. GRCh37 (hg19) VCF-style: chr5-132223553-G-C.
Other names: short protein forms T973R.
Identifiers: ClinVar variation 4538164 (VCV004538164.1).
Genomic context (GRCh38, chr5:132,887,861, plus strand): 5'-AGAAATAATGTTATTGCCAATGATCTGCCAAGTTTTTCCACTTACTTGATGAGATCCACC[G>C]TCTCTGAATACATAGGGAATGGGGATTTGGATTCCTGAGCATTCTTCTCTAATGCATTCC-3'
Protein context (NP_055238.1, residues 963-983): SKSPFPMYSE[Thr973Arg]VDLIKYTMKL